The following is an entry in ClinVar:

NM_014679.5(CEP57):c.1200A>T (p.Glu400Asp)

Gene: CEP57 (centrosomal protein 57; plus strand). Cytogenetic location: 11q21.
Variant type: single nucleotide variant.
Coding change: c.1200A>T on transcript NM_014679.5 (MANE Select); coding-DNA position 1200, A replaced by T.
Protein change: p.Glu400Asp; replaces glutamic acid 400 with aspartic acid.
Molecular consequence: missense variant.
Genome position (GRCh38, 1-based): chr11:95,829,259, A>T. VCF-style: chr11-95829259-A-T. GRCh37 (hg19) VCF-style: chr11-95562423-A-T.
Other names: c.1173A>T, p.Glu391Asp (NM_001243776.2); c.1122A>T, p.Glu374Asp (NM_001243777.2); c.1119A>T, p.Glu373Asp (NM_001363604.2); short protein forms E374D, E391D, E373D, E400D.
Identifiers: ClinVar variation 4000970 (VCV004000970.1).

ClinVar aggregate classification (germline): Uncertain significance (1 of 4 stars; one submission).

Conditions:
Inborn genetic diseases. Identifiers: MedGen C0950123, MeSH D030342.

Submission:

Ambry Genetics
Classification: Uncertain significance for Inborn genetic diseases. Last evaluated: 2025-03-15. Review status: criteria provided, single submitter. Criteria: Ambry Variant Classification Scheme 2023. Collection method: clinical testing. Allele origin: germline.
Comment: The p.E400D variant (also known as c.1200A>T), located in coding exon 10 of the CEP57 gene, results from an A to T substitution at nucleotide position 1200. The glutamic acid at codon 400 is replaced by aspartic acid, an amino acid with highly similar properties. This amino acid position is conserved. In addition, this alteration is predicted to be tolerated by in silico analysis. Based on the available evidence, the clinical significance of this variant remains unclear.